The following continues an entry in ClinVar:

NM_000157.4(GBA1):c.115+1G>A

Gene: GBA1. ClinVar aggregate classification (germline): Pathogenic/Likely pathogenic. Pathogenic (20); Likely pathogenic (1).

Submissions 14 to 27 of 27:

Broad Center for Mendelian Genomics, Broad Institute of MIT and Harvard
Classification: Pathogenic for Gaucher disease. Last evaluated: 2020-01-13. Review status: criteria provided, single submitter. Criteria: ACMG Guidelines, 2015. Collection method: curation. Allele origin: germline. Inheritance: Autosomal recessive inheritance.
Comment: The c.115+1G>A variant in GBA has been reported in at least 4 individuals with Gaucher disease (PMID: 10649495, 23430873, 25127542) and has been identified in 0.019% (2/10370) of Ashkenazi Jewish chromosomes by the Genome Aggregation Database (gnomAD; dbSNP rs104886460). Although this variant has been seen in the general population, its frequency is low enough to be consistent with a recessive carrier frequency. This variant has also been reported in ClinVar (VariationID: 93445) as pathogenic by EGL Genetic Diagnostics, Counsyl, Integrated Genetics, Fulgent Genetics, and OMIM. This variant occurs in the invariant region (+/- 1/2) of the splice consensus sequence and is predicted to cause altered splicing leading to an abnormal or absent protein. Loss of function of the GBA gene is an established disease mechanism in autosomal recessive Gaucher disease. The presence of this variant in combination with reported pathogenic variants and in 3 individuals with Gaucher disease increases the likelihood that the c.115+1G>A variant is pathogenic (VariationID: 4288, 4290; PMID: 10649495, 23430873). In summary, this variant meets criteria to be classified as pathogenic for Gaucher disease in an autosomal recessive manner based on the prediction that the variant will cause loss-of-function and the occurrences of the variant in combination with other pathogenic variants in affected individuals. ACMG/AMP Criteria applied: PVS1, PM3, PM2_supporting (Richards 2015).

Myriad Genetics, Inc.
Classification: Pathogenic for Gaucher disease type I. Last evaluated: 2019-12-09. Review status: criteria provided, single submitter. Criteria: Myriad Women's Health Autosomal Recessive and X-Linked Classification Criteria (2019). Collection method: clinical testing. Allele origin: unknown.
Comment: NM_001005741.2(GBA):c.115+1G>A(aka IVS2+1G>A) is classified as pathogenic in the context of Gaucher disease and can be associated with Type 1, 2 or 3. Sources cited for classification include the following: PMID 12204005, 25127542, 1558964, 11933202 and 20729108. Classification of NM_001005741.2(GBA):c.115+1G>A(aka IVS2+1G>A) is based on the following criteria: The variant is located at a canonical splice site, is expected to disrupt gene function and is reported in individuals with the relevant phenotype. Please note: this variant was assessed in the context of healthy population screening.

Fulgent Genetics
Classification: Pathogenic for Lewy body dementia; Parkinson disease, late-onset; Gaucher disease type I; Gaucher disease type II; Gaucher disease type III; Gaucher disease-ophthalmoplegia-cardiovascular calcification syndrome; Gaucher disease perinatal lethal. Last evaluated: 2018-10-31. Review status: criteria provided, single submitter. Criteria: ACMG Guidelines, 2015. Collection method: clinical testing. Allele origin: unknown.

Ambry Genetics
Classification: Pathogenic. Last evaluated: 2017-01-31. Review status: criteria provided, single submitter. Criteria: Ambry Variant Classification Scheme 2023. Collection method: clinical testing. Allele origin: germline.
Comment: The c.115+1G>A (also known as IVS2+1G>A) intronic pathogenic mutation from a G to A substitution one nucleotide after coding exon 2 of the GBA gene. This mutation has been reported in multiple patients with Gaucher disease, confirmed with decreased beta-glucosidase activity (Beutler E et al. Blood, 1992 Apr;79:1662-6; Yoshida S et al. Pediatr Int, 2016 Sep;58:946-9). In addition to the clinical data presented in the literature, alterations that disrupt the canonical splice site are expected to cause aberrant splicing, resulting in an abnormal protein or a transcript that is subject to nonsense-mediated mRNA decay. As such, this alteration is classified as a disease-causing mutation.

Institute of Human Genetics, University of Leipzig Medical Center
Classification: Likely pathogenic for Parkinson disease, late-onset. Last evaluated: 2016-09-27. Review status: criteria provided, single submitter. Criteria: ACMG Guidelines, 2015. Collection method: clinical testing. Allele origin: germline. Affected: yes. Observed: 1 variant allele.

Women's Health and Genetics/Laboratory Corporation of America, LabCorp
Classification: Pathogenic for Gaucher disease. Last evaluated: 2016-08-11. Review status: criteria provided, single submitter. Criteria: LabCorp Variant Classification Summary - May 2015. Collection method: clinical testing. Allele origin: germline.
Comment: Variant summary: The GBA c.115+1G>A variant involves the alteration of a conserved intronic splice-site nucleotide. One in silico tool predicts a damaging outcome for this variant. 5/5 splice prediction tools predict that this variant eliminates the splicing donor site, which has been confirmed in one patient using cDNA sequencing. This variant has been reported in numerous patients with Gaucher disease. This variant was found in 14/121336 control chromosomes at a frequency of 0.0001154, which does not exceed the estimated maximal expected allele frequency of a pathogenic GBA variant (0.005). In addition, multiple clinical diagnostic laboratories/reputable databases classified this variant as pathogenic. Taken together, this variant is classified as pathogenic.

Eurofins Ntd Llc (ga)
Classification: Pathogenic. Last evaluated: 2015-09-03. Review status: criteria provided, single submitter. Criteria: EGL Classification Definitions. Collection method: clinical testing. Allele origin: germline. Observed: 7 variant alleles, 7 heterozygotes.

Baylor Genetics
Classification: Pathogenic for Gaucher disease type I; Gaucher disease type II; Gaucher disease type III; Gaucher disease-ophthalmoplegia-cardiovascular calcification syndrome. Review status: criteria provided, single submitter. Criteria: ACMG Guidelines, 2015. Collection method: clinical testing. Allele origin: germline.

OMIM
Classification: Pathogenic for GAUCHER DISEASE, TYPE I. Last evaluated: 2000-01-01. Review status: no assertion criteria provided. Collection method: literature only. Allele origin: germline. Not counted in ClinVar's aggregate classification.

OMIM
Classification: Pathogenic for GAUCHER DISEASE, TYPE II. Last evaluated: 2000-01-01. Review status: no assertion criteria provided. Collection method: literature only. Allele origin: germline. Not counted in ClinVar's aggregate classification.

Dr. Peter K. Rogan Lab, Western University
No classification provided (evidence only). Condition: Clear cell carcinoma of kidney. Review status: no classification provided. Collection method: in vitro. Allele origin: not applicable. Functional consequence: skipped exon. Not counted in ClinVar's aggregate classification.

Dr. Peter K. Rogan Lab, Western University
No classification provided (evidence only). Condition: Melanoma. Review status: no classification provided. Collection method: in vitro. Allele origin: not applicable. Functional consequence: skipped exon. Not counted in ClinVar's aggregate classification.

Dr. Peter K. Rogan Lab, Western University
No classification provided (evidence only). Condition: Sarcoma. Review status: no classification provided. Collection method: in vitro. Allele origin: not applicable. Functional consequence: skipped exon. Not counted in ClinVar's aggregate classification.

GeneReviews
No classification provided. Condition: Gaucher disease. Review status: no classification provided. Collection method: literature only. Allele origin: germline. Not counted in ClinVar's aggregate classification.

Literature cited by the submitters: PubMed 16199547 (cited by Labcorp Genetics (formerly Invitae), Labcorp); PubMed 9153297 (cited by Labcorp Genetics (formerly Invitae), Labcorp); PubMed 10079102 (cited by Labcorp Genetics (formerly Invitae), Labcorp); PubMed 10796875 (cited by Labcorp Genetics (formerly Invitae), Labcorp); PubMed 11783951 (cited by Labcorp Genetics (formerly Invitae), Labcorp); PubMed 20816920 (cited by 3 submitters); PubMed 23430873 (cited by 4 submitters); PubMed 25653295 (cited by 3 submitters); PubMed 26117366 (cited by 3 submitters); PubMed 27682613 (cited by 4 submitters); PubMed 1558964 (cited by 6 submitters); PubMed 22429443 (cited by Natera, Inc.); PubMed 35242582 (cited by Mayo Clinic Laboratories, Mayo Clinic); PubMed 21228398 (cited by AiLife Diagnostics); PubMed 22975760 (cited by AiLife Diagnostics); PubMed 26689913 (cited by AiLife Diagnostics); PubMed 21700325 (cited by AiLife Diagnostics); PubMed 31561936 (cited by AiLife Diagnostics); PubMed 25525159 (cited by AiLife Diagnostics); PubMed 10649495 (cited by Broad Center for Mendelian Genomics, Broad Institute of MIT and Harvard and OMIM); PubMed 25127542 (cited by Broad Center for Mendelian Genomics, Broad Institute of MIT and Harvard and Myriad Genetics, Inc.); PubMed 12204005 (cited by Myriad Genetics, Inc.); PubMed 11933202 (cited by Myriad Genetics, Inc.); PubMed 20729108 (cited by Myriad Genetics, Inc.); PubMed 1589760 (cited by OMIM); PubMed 1415223 (cited by OMIM).